The following is an entry in ClinVar:

ClinVar aggregate classification (germline): Pathogenic/Likely pathogenic. Review status: criteria provided, multiple submitters, no conflicts (2 of 4 stars). 5 submissions from 4 submitters: Pathogenic (1); Likely pathogenic (3). 1 of the submissions does not count toward it. Last evaluated 2025-03-24.

Conditions:
Atrial septal defect 2 (ASD2). Identifiers: Orphanet 1478, MedGen C1842778, MONDO:0011938, OMIM 607941.
GATA4-related disorder. Also called: GATA4-related condition. Identifiers: MedGen CN860321.
Atrioventricular septal defect 4 (AVSD4). Identifiers: MedGen C3280781, MONDO:0013747, OMIM 614430.
Testicular anomalies with or without congenital heart disease (TACHD). Identifiers: Orphanet 251510, MedGen C3809858, MONDO:0014239, OMIM 615542.

Allele frequency attached by ClinVar (database versions not stated): gnomAD exomes below 0.00001; gnomAD 0.00001; 1000 Genomes Project 30x 0.00016.
gnomAD v4.1: 2 of 1,613,752 alleles (0.00012%); highest among the groups gnomAD compares: East Asian, 0.0022%; no homozygotes.

Submissions (5):

Institute of Medical Genetics and Applied Genomics, University Hospital Tübingen
Classification: Likely pathogenic for Atrioventricular septal defect 4. Last evaluated: 2025-03-24. Review status: criteria provided, single submitter. Criteria: ACMG Guidelines, 2015. Collection method: clinical testing. Allele origin: germline. Inheritance: Autosomal dominant inheritance. Affected: yes.

Labcorp Genetics (formerly Invitae), Labcorp
Classification: Pathogenic for Atrioventricular septal defect 4. Last evaluated: 2022-11-01. Review status: criteria provided, single submitter. Criteria: Invitae Variant Classification Sherloc (09022015). Collection method: clinical testing. Allele origin: germline.
Comment: ClinVar contains an entry for this variant (Variation ID: 1029405). This missense change has been observed in individual(s) with congenital diaphragmatic hernia and/or syndromic structural heart defects (PMID: 15863664, 23138528, 23696316, 32719394). In at least one individual the variant was observed to be de novo. This variant is not present in population databases (gnomAD no frequency). This sequence change replaces arginine, which is basic and polar, with histidine, which is basic and polar, at codon 283 of the GATA4 protein (p.Arg283His). For these reasons, this variant has been classified as Pathogenic. Advanced modeling of protein sequence and biophysical properties (such as structural, functional, and spatial information, amino acid conservation, physicochemical variation, residue mobility, and thermodynamic stability) performed at Invitae indicates that this missense variant is expected to disrupt GATA4 protein function.

Baylor Genetics
Classification: Likely pathogenic for Atrial septal defect 2. Last evaluated: 2020-12-26. Review status: criteria provided, single submitter. Criteria: ACMG Guidelines, 2015. Collection method: clinical testing. Allele origin: de novo. Affected: yes.
Comment: This variant was determined to be likely pathogenic according to ACMG Guidelines, 2015 [PMID:25741868].

Baylor Genetics
Classification: Likely pathogenic for Testicular anomalies with or without congenital heart disease. Last evaluated: 2020-12-26. Review status: criteria provided, single submitter. Criteria: ACMG Guidelines, 2015. Collection method: clinical testing. Allele origin: unknown.

PreventionGenetics, part of Exact Sciences
Classification: Pathogenic for GATA4-related condition. Last evaluated: 2024-07-14. Review status: no assertion criteria provided. Collection method: clinical testing. Allele origin: germline. Not counted in ClinVar's aggregate classification.
Comment: The GATA4 c.848G>A variant is predicted to result in the amino acid substitution p.Arg283His. This variant was detected in an individual with subaortic ventricular septal defect with overriding aorta, septum primum defect, patent foramen ovale, and a common atrioventricular canal (Reamon-Buettner and Borlak 2005. PubMed ID: 15863664). The variant was detected in affected tissue but was absent in unaffected tissue of the same heart indicating the variant was mosaic variant (Reamon-Buettner and Borlak. 2005. PubMed ID: 15863664). Additionally, this variant was reported as de novo in a patient with congenital diaphragmatic hernia, septal defects, and neurodevelopmental delay (Yu et al. 2012. PubMed ID: 23138528; Patient ID 04-0001, Table S1, Qiao et al. 2020. PubMed ID: 32719394). This variant is reported in 0.0054% of alleles in individuals of East Asian descent in gnomAD; however, quality metrics at this site indicate it may not be a reliable estimate of population frequency. This variant is interpreted as pathogenic.

Literature cited by the submitters: PubMed 15863664 (cited by Labcorp Genetics (formerly Invitae), Labcorp); PubMed 23138528 (cited by Labcorp Genetics (formerly Invitae), Labcorp); PubMed 23696316 (cited by Labcorp Genetics (formerly Invitae), Labcorp); PubMed 32719394 (cited by Labcorp Genetics (formerly Invitae), Labcorp).

NM_001308093.3(GATA4):c.851G>A (p.Arg284His)

Gene: GATA4 (GATA binding protein 4). Cytogenetic location: 8p23.1.
Variant type: single nucleotide variant.
Coding change: c.851G>A on transcript NM_001308093.3 (MANE Select); coding-DNA position 851, G replaced by A.
Protein change: p.Arg284His; replaces arginine 284 with histidine.
Molecular consequence: missense variant. On other transcripts: intron variant (1).
Genome position (GRCh38, 1-based): chr8:11,750,175, G>A. VCF-style: chr8-11750175-G-A. GRCh37 (hg19) VCF-style: chr8-11607684-G-A.
Other names: c.230G>A, p.Arg77His (NM_001308094.2, NM_001374273.1); c.848G>A, p.Arg283His (NM_002052.5); c.165+1090G>A (NM_001374274.1); c.848G>A (NM_002052.4); short protein forms R284H, R283H, R77H.
Identifiers: ClinVar variation 1029405 (VCV001029405.9), dbSNP rs180765750, ClinGen allele CA172114436.
Genomic context (GRCh38, chr8:11,750,175, plus strand): 5'-CCTCCCGCCGAGTGGGCCTCTCCTGTGCCAACTGCCAGACCACCACCACCACGCTGTGGC[G>A]CCGCAATGCGGAGGGCGAGCCTGTGTGCAATGCCTGCGGCCTCTACATGAAGCTCCACGG-3'
Protein context (NP_001295022.1, residues 274-294): NCQTTTTTLW[Arg284His]RNAEGEPVCN